The following is an entry in ClinVar:

ClinVar aggregate classification (germline): Conflicting classifications of pathogenicity. Review status: criteria provided, conflicting classifications (1 of 4 stars). 4 submissions from 4 submitters: Uncertain significance (3); Benign (1). Last evaluated 2026-02-16.

Conditions:
Leukodystrophy, hypomyelinating, 19, transient infantile. Identifiers: MedGen C5231463, MONDO:0032871, OMIM 618688.
TMEM63A-related disorder. Also called: TMEM63A-related condition.

Submissions (4):

Dasa
Classification: Uncertain significance for Leukodystrophy, hypomyelinating, 19, transient infantile. Last evaluated: 2026-02-16. Review status: criteria provided, single submitter. Criteria: DASA Assertion Criteria. Collection method: clinical testing. Allele origin: germline.
Comment: NM_014698.3(TMEM63A):c.830del (p.Lys277Argfs*7) is a frameshift variant in TMEM63A predicted to alter the reading frame and introduce a premature termination codon. This variant is rare in population databases. Computational prediction algorithms are consistent with a deleterious effect. The currently available literature and clinical evidence are not sufficient to establish a definitive association between this variant and the reported condition. Therefore, this variant is classified as a variant of uncertain significance.

Women's Health and Genetics/Laboratory Corporation of America, LabCorp
Classification: Uncertain significance. Last evaluated: 2024-07-11. Review status: criteria provided, single submitter. Criteria: LabCorp Variant Classification Summary - May 2015. Collection method: clinical testing. Allele origin: germline.
Comment: Variant summary: TMEM63A c.830delA (p.Lys277ArgfsX7) results in a premature termination codon, predicted to cause a truncation of the encoded protein or absence of the protein due to nonsense mediated decay, however current evidence is not sufficient to establish whether loss-of-function variants in TMEM63A cause disease. The variant is located close to a splice-site: consensus agreement among computation tools predict no significant impact on normal splicing. However, these predictions have yet to be confirmed by functional studies. The variant allele was found at a frequency of 9.6e-05 in 250960 control chromosomes, predominantly at a frequency of 0.0014 within the African or African-American subpopulation in the gnomAD database. The occurrence in several carriers suggests that this variant is likely not associated with a high penetrance, severe, disease phenotype in heterozygous state. To our knowledge, no occurrence of c.830delA in individuals affected with Leukodystrophy, Hypomyelinating, 19, Transient Infantile and no experimental evidence demonstrating its impact on protein function have been reported. ClinVar contains an entry for this variant (Variation ID: 2634413). Based on the evidence outlined above, the variant was classified as uncertain significance.

PreventionGenetics, part of Exact Sciences
Classification: Uncertain significance for TMEM63A-related condition. Last evaluated: 2023-02-10. Review status: criteria provided, single submitter. Criteria: ACMG Guidelines, 2015. Collection method: clinical testing. Allele origin: germline.
Comment: The TMEM63A c.830delA variant is predicted to result in a frameshift and premature protein termination (p.Lys277Argfs*7). To our knowledge, this variant has not been reported in the literature. This variant is reported in 0.13% of alleles in individuals of African descent in gnomAD. At this time, the clinical significance of this variant is uncertain due to the absence of conclusive functional and genetic evidence.

CeGaT Center for Human Genetics Tuebingen
Classification: Benign. Last evaluated: 2022-06-01. Review status: criteria provided, single submitter. Criteria: CeGaT Center For Human Genetics Tuebingen Variant Classification Criteria Version 2. Collection method: clinical testing. Allele origin: germline. Affected: yes. Observed: 1 variant allele.
Comment: TMEM63A: BS1, BS2

NM_014698.3(TMEM63A):c.828delA (p.Lys277fs)

Gene: TMEM63A (transmembrane protein 63A; minus strand). Cytogenetic location: 1q42.12.
Variant type: Deletion.
Coding change: c.828delA on transcript NM_014698.3 (MANE Select); coding-DNA position 828, one base deleted (A).
Protein change: p.Lys277fs; shifts the reading frame from lysine 277.
Molecular consequence: frameshift variant.
Genome position (GRCh38, 1-based): chr1:225,862,576, T deleted on the plus strand (A on the coding strand, the reverse complement: TMEM63A is on the minus strand); the first of 3 consecutive T bases (chr1:225,862,576-225,862,578); deleting any one gives the same sequence. VCF-style (leftmost placement, unchanged base first): chr1-225862575-CT-C. GRCh37 (hg19) VCF-style: chr1-226050275-CT-C.
Other names: c.830del (NM_014698.3); c.830delA (NM_014698.3); short protein forms K277fs.
Identifiers: ClinVar variation 2634413 (VCV002634413.27), dbSNP rs768734657, ClinGen allele CA1419367.